The following is an entry in ClinVar:

ClinVar aggregate classification (germline): Likely benign. Review status: criteria provided, multiple submitters, no conflicts (2 of 4 stars). 2 submissions from 2 submitters: Likely benign (2). Last evaluated 2024-05-10.

gnomAD v4.1: 8 of 1,613,650 alleles (0.0005%); highest among the groups gnomAD compares: Non-Finnish European, 0.00068%; no homozygotes.

Submissions (2):

Women's Health and Genetics/Laboratory Corporation of America, LabCorp
Classification: Likely benign. Last evaluated: 2024-05-10. Review status: criteria provided, single submitter. Criteria: LabCorp Variant Classification Summary - May 2015. Collection method: clinical testing. Allele origin: germline.
Comment: Variant summary: MYO15A c.4655+18C>T alters a non-conserved nucleotide located at a position not widely known to affect splicing. Consensus agreement among computation tools predict no significant impact on normal splicing. However, these predictions have yet to be confirmed by functional studies. The variant allele was found at a frequency of 4e-06 in 249134 control chromosomes. The available data on variant occurrences in the general population are insufficient to allow any conclusion about variant significance. To our knowledge, no occurrence of c.4655+18C>T in individuals affected with Autosomal Recessive Nonsyndromic Hearing Loss 3 and no experimental evidence demonstrating its impact on protein function have been reported. ClinVar contains an entry for this variant (Variation ID: 2977653). Based on the evidence outlined above, the variant was classified as likely benign.

Labcorp Genetics (formerly Invitae), Labcorp
Classification: Likely benign. Last evaluated: 2024-03-04. Review status: criteria provided, single submitter. Criteria: Invitae Variant Classification Sherloc (09022015). Collection method: clinical testing. Allele origin: germline.

NM_016239.4(MYO15A):c.4655+18C>T

Gene: MYO15A (myosin XVA; plus strand). Cytogenetic location: 17p11.2.
Variant type: single nucleotide variant.
Coding change: c.4655+18C>T on transcript NM_016239.4 (MANE Select); 18 bases into the intron after coding-DNA position 4655, C replaced by T.
Molecular consequence: intron variant.
Genome position (GRCh38, 1-based): chr17:18,136,493, C>T. VCF-style: chr17-18136493-C-T. GRCh37 (hg19) VCF-style: chr17-18039807-C-T.
Identifiers: ClinVar variation 2977653 (VCV002977653.4), dbSNP rs542454256, ClinGen allele CA625315269.